The following is an entry in ClinVar:

ClinVar aggregate classification (germline): Conflicting classifications of pathogenicity. Review status: criteria provided, conflicting classifications (1 of 4 stars). 2 submissions from 2 submitters: Uncertain significance (1); Likely benign (1). Last evaluated 2026-02-23.

Conditions:
Familial hypocalciuric hypercalcemia (FHH). Also called: Familial benign hypercalcemia. Identifiers: Orphanet 405, MedGen C1809471, MONDO:0018458.
Autosomal dominant hypocalcemia 1 (HYPOC1). Also called: HYPOCALCEMIA, FAMILIAL. Identifiers: MedGen C3715128, MONDO:0011013, OMIM 601198.

Submissions (2):

Women's Health and Genetics/Laboratory Corporation of America, LabCorp
Classification: Uncertain significance. Last evaluated: 2026-02-23. Review status: criteria provided, single submitter. Criteria: LabCorp Variant Classification Summary - May 2015. Collection method: clinical testing. Allele origin: germline.
Comment: Variant summary: CASR c.1732+20G>T alters a non-conserved nucleotide located at a position not widely known to affect splicing. Several computational tools predict a significant impact on normal splicing: Three predict the variant strengthens a cryptic 3' acceptor site. However, these predictions have yet to be confirmed by functional studies. The variant was absent in 251462 control chromosomes. The available data on variant occurrences in the general population are insufficient to allow any conclusion about variant significance. To our knowledge, no occurrence of c.1732+20G>T in individuals affected with CASR-related conditions and no experimental evidence demonstrating its impact on protein function have been reported. ClinVar contains an entry for this variant (Variation ID: 2179548). Based on the evidence outlined above, the variant was classified as uncertain significance.

Labcorp Genetics (formerly Invitae), Labcorp
Classification: Likely benign for Familial hypocalciuric hypercalcemia; Autosomal dominant hypocalcemia 1. Last evaluated: 2024-08-12. Review status: criteria provided, single submitter. Criteria: Invitae Variant Classification Sherloc (09022015). Collection method: clinical testing. Allele origin: germline.

NM_000388.4(CASR):c.1732+20G>T

Gene: CASR (calcium sensing receptor; plus strand). Cytogenetic location: 3q21.1.
Variant type: single nucleotide variant.
Coding change: c.1732+20G>T on transcript NM_000388.4 (MANE Select); 20 bases into the intron after coding-DNA position 1732, G replaced by T.
Molecular consequence: intron variant.
Genome position (GRCh38, 1-based): chr3:122,282,256, G>T. VCF-style: chr3-122282256-G-T. GRCh37 (hg19) VCF-style: chr3-122001103-G-T.
Other names: c.1762+20G>T (NM_001178065.2).
Identifiers: ClinVar variation 2179548 (VCV002179548.5), dbSNP rs2473273109, ClinGen allele CA2580068637.